The following is an entry in ClinVar:

ClinVar aggregate classification (germline): Uncertain significance (1 of 4 stars; one submission).

Conditions:
Inborn genetic diseases. Identifiers: MedGen C0950123, MeSH D030342.

Submission:

Ambry Genetics
Classification: Uncertain significance for Inborn genetic diseases. Last evaluated: 2023-08-30. Review status: criteria provided, single submitter. Criteria: Ambry Variant Classification Scheme 2023. Collection method: clinical testing. Allele origin: germline.
Comment: The p.D1594Y variant (also known as c.4780G>T), located in coding exon 33 of the LRRK2 gene, results from a G to T substitution at nucleotide position 4780. The aspartic acid at codon 1594 is replaced by tyrosine, an amino acid with highly dissimilar properties. This amino acid position is conserved. In addition, this alteration is predicted to be deleterious by in silico analysis. Since supporting evidence is limited at this time, the clinical significance of this alteration remains unclear.

NM_198578.4(LRRK2):c.4780G>T (p.Asp1594Tyr)

Gene: LRRK2 (leucine rich repeat kinase 2; plus strand). Cytogenetic location: 12q12.
Variant type: single nucleotide variant.
Coding change: c.4780G>T on transcript NM_198578.4 (MANE Select); coding-DNA position 4780, G replaced by T.
Protein change: p.Asp1594Tyr; replaces aspartic acid 1594 with tyrosine.
Molecular consequence: missense variant.
Genome position (GRCh38, 1-based): chr12:40,315,253, G>T. VCF-style: chr12-40315253-G-T. GRCh37 (hg19) VCF-style: chr12-40709055-G-T.
Other names: short protein forms D1594Y.
Identifiers: ClinVar variation 2587294 (VCV002587294.2), dbSNP rs2499852944, ClinGen allele CA384419265.
Genomic context (GRCh38, chr12:40,315,253, plus strand): 5'-TGATGACTTTTTACTACAGGAGTCCTTCTTCATTTTCAAGACCCAGCACTGCAGTTAAGT[G>T]ACTTGTACTTTGTGGAACCCAAGTGGCTTTGTAAAATCATGGCACAGGTTGGTGTCTTTT-3'
Protein context (NP_940980.4, residues 1584-1604): HFQDPALQLS[Asp1594Tyr]LYFVEPKWLC